The following is an entry in ClinVar:

ClinVar aggregate classification (germline): Conflicting classifications of pathogenicity. Review status: criteria provided, conflicting classifications (1 of 4 stars). 4 submissions from 4 submitters: Likely pathogenic (1); Uncertain significance (3). Last evaluated 2025-11-19.

Conditions:
Congenital myasthenic syndrome 16. Identifiers: Orphanet 590, MedGen C3280112, MONDO:0013620, OMIM 614198.
Hyperkalemic periodic paralysis. Also called: Familial hyperkalemic periodic paralysis; Gamstorp disease. Identifiers: Orphanet 682, MedGen C0238357, MONDO:0008224, OMIM 170500, HP:0007215.
Paramyotonia congenita of Von Eulenburg. Also called: PARALYSIS PERIODICA PARAMYOTONICA; Paramyotonia Congenita; Eulenburg disease; Myotonia congenita intermittens; Von Eulenburg paramyotonia congenita. Identifiers: Orphanet 684, MedGen C0221055, MONDO:0008195, OMIM 168300. Disease mechanism: loss of function.
Hypokalemic periodic paralysis, type 2 (HOKPP2). Identifiers: Orphanet 681, MedGen C2750061, MONDO:0013234, OMIM 613345.
Potassium-aggravated myotonia. Also called: MYOTONIA CONGENITA, ACETAZOLAMIDE-RESPONSIVE; MYOTONIA CONGENITA, ATYPICAL; Myotonia congenita, atypical, acetazolamide-responsive; SODIUM CHANNEL MUSCLE DISEASE. Identifiers: Orphanet 612, Orphanet 99734, Orphanet 99735, Orphanet 99736, MedGen C2931826, MONDO:0018959, OMIM 608390.
Congenital myopathy 22A, classic (CMYO22A). Identifiers: MedGen C5830453, MONDO:0957247, OMIM 620351.
Congenital myopathy 22B, severe fetal (CMYO22B). Identifiers: MedGen C5830501, MONDO:0957265, OMIM 620369.
Inborn genetic diseases. Identifiers: MedGen C0950123, MeSH D030342.

Allele frequency attached by ClinVar (database versions not stated): gnomAD 0.00005 and 0.00006; TOPMed 0.00007; ExAC 0.00007; ESP Exome Variant Server 0.00016.
gnomAD v4.1: 47 of 1,611,762 alleles (0.0029%); highest among the groups gnomAD compares: African/African-American, 0.017%; no homozygotes.

Submissions (4):

Labcorp Genetics (formerly Invitae), Labcorp
Classification: Uncertain significance for Hyperkalemic periodic paralysis. Last evaluated: 2025-11-19. Review status: criteria provided, single submitter. Criteria: Invitae Variant Classification Sherloc (09022015). Collection method: clinical testing. Allele origin: germline.
Comment: This sequence change replaces aspartic acid, which is acidic and polar, with asparagine, which is neutral and polar, at codon 932 of the SCN4A protein (p.Asp932Asn). This variant is present in population databases (rs199656266, gnomAD 0.03%). This variant has not been reported in the literature in individuals affected with SCN4A-related conditions. ClinVar contains an entry for this variant (Variation ID: 477408). Invitae Evidence Modeling of protein sequence and biophysical properties (such as structural, functional, and spatial information, amino acid conservation, physicochemical variation, residue mobility, and thermodynamic stability) has been performed for this missense variant. However, the output from this modeling did not meet the statistical confidence thresholds required to predict the impact of this variant on SCN4A protein function. In summary, the available evidence is currently insufficient to determine the role of this variant in disease. Therefore, it has been classified as a Variant of Uncertain Significance.

Fulgent Genetics
Classification: Uncertain significance for Paramyotonia congenita of Von Eulenburg; Hyperkalemic periodic paralysis; Potassium-aggravated myotonia; Hypokalemic periodic paralysis, type 2; Congenital myasthenic syndrome 16; Congenital myopathy 22A, classic; Congenital myopathy 22B, severe fetal. Last evaluated: 2024-04-27. Review status: criteria provided, single submitter. Criteria: ACMG Guidelines, 2015. Collection method: clinical testing. Allele origin: germline.

Baylor Genetics
Classification: Uncertain significance for Congenital myasthenic syndrome 16. Last evaluated: 2018-08-14. Review status: criteria provided, single submitter. Criteria: ACMG Guidelines, 2015. Collection method: clinical testing. Allele origin: maternal. Affected: yes.
Comment: This variant was determined to be of uncertain significance according to ACMG Guidelines, 2015 [PMID:25741868].

Ambry Genetics
Classification: Likely pathogenic for Inborn genetic diseases. Last evaluated: 2018-06-29. Review status: criteria provided, single submitter. Criteria: Ambry exome assertion method (8-5-2015). Collection method: clinical testing. Allele origin: germline. Affected: yes. Observed: 1 variant allele.

NM_000334.4(SCN4A):c.2794G>A (p.Asp932Asn)

Genes: GH-LCR (growth hormone locus control region; plus strand), SCN4A (sodium voltage-gated channel alpha subunit 4; minus strand). Cytogenetic location: 17q23.3.
Variant type: single nucleotide variant.
Coding change: c.2794G>A on transcript NM_000334.4 (MANE Select); coding-DNA position 2794, G replaced by A.
Protein change: p.Asp932Asn; replaces aspartic acid 932 with asparagine.
Molecular consequence: missense variant.
Genome position (GRCh38, 1-based): chr17:63,951,483, C>T on the plus strand (G>A on the coding strand, the complement: SCN4A is on the minus strand). VCF-style: chr17-63951483-C-T. GRCh37 (hg19) VCF-style: chr17-62028843-C-T.
Other names: short protein forms D932N.
Identifiers: ClinVar variation 477408 (VCV000477408.14), dbSNP rs199656266, ClinGen allele CA8709499.